The following is an entry in ClinVar:

ClinVar aggregate classification (germline): Benign/Likely benign. Review status: criteria provided, multiple submitters, no conflicts (2 of 4 stars). 8 submissions from 8 submitters: Benign (2); Likely benign (5). 1 of the submissions does not count toward it. Last evaluated 2026-01-26.

Conditions:
Tuberous sclerosis 2 (TSC2). Identifiers: Orphanet 805, MedGen C1860707, MONDO:0013199, OMIM 613254.
Hereditary cancer-predisposing syndrome. Also called: Hereditary Cancer Syndrome; Neoplastic Syndromes, Hereditary; Hereditary neoplastic syndrome; Tumor predisposition. Identifiers: Orphanet 140162, MedGen C0027672, MeSH D009386, MONDO:0015356.
Tuberous sclerosis syndrome (TSC). Also called: Tuberous Sclerosis Complex; Tuberous sclerosis. Identifiers: Orphanet 805, MedGen C0041341, MONDO:0001734.

Allele frequency attached by ClinVar (database versions not stated): TOPMed 0.00002; ExAC 0.00002; gnomAD 0.00003; gnomAD exomes 0.00001.
gnomAD v4.1: 43 of 1,612,824 alleles (0.0027%); highest among the groups gnomAD compares: Non-Finnish European, 0.0034%; no homozygotes.

Submissions (9):

Labcorp Genetics (formerly Invitae), Labcorp
Classification: Benign for Tuberous sclerosis 2. Last evaluated: 2026-01-26. Review status: criteria provided, single submitter. Criteria: Invitae Variant Classification Sherloc (09022015). Collection method: clinical testing. Allele origin: germline.

All of Us Research Program, National Institutes of Health
Classification: Likely benign for Tuberous sclerosis syndrome. Last evaluated: 2024-01-03. Review status: criteria provided, single submitter. Criteria: ACMG Guidelines, 2015. Collection method: clinical testing. Allele origin: germline. Inheritance: Autosomal dominant inheritance. Observed: 8 variant alleles, 8 heterozygotes.
Comment: This study involves interpretation of variants in research participants for the purpose of population health screening. Participant phenotype was not available at the time of variant classification. Additional details can be found in publication PMID: 35346344, PMCID: PMC8962531

Color Diagnostics, LLC DBA Color Health
Classification: Likely benign for Tuberous sclerosis syndrome. Last evaluated: 2022-10-03. Review status: criteria provided, single submitter. Criteria: ACMG Guidelines, 2015. Collection method: clinical testing. Allele origin: germline.

Genome-Nilou Lab
Classification: Benign for Tuberous sclerosis 2. Last evaluated: 2021-11-07. Review status: criteria provided, single submitter. Criteria: ACMG Guidelines, 2015. Collection method: clinical testing. Allele origin: germline. Affected: no.

ARUP Laboratories, Molecular Genetics and Genomics, ARUP Laboratories
Classification: Likely benign. Last evaluated: 2020-01-20. Review status: criteria provided, single submitter. Criteria: ARUP Molecular Germline Variant Investigation Process. Collection method: clinical testing. Allele origin: germline.

GeneDx
Classification: Likely benign. Last evaluated: 2019-07-25. Review status: criteria provided, single submitter. Criteria: GeneDx Variant Classification Process June 2021. Collection method: clinical testing. Allele origin: germline. Affected: yes.
Comment: This variant is associated with the following publications: (PMID: 27149842)

Ambry Genetics
Classification: Likely benign for Hereditary cancer-predisposing syndrome. Last evaluated: 2019-01-17. Review status: criteria provided, single submitter. Criteria: Ambry Variant Classification Scheme 2023. Collection method: clinical testing. Allele origin: germline.

Dr. Peter K. Rogan Lab, Western University
No classification provided (evidence only). Condition: Gastric cancer. Review status: no classification provided. Collection method: in vitro. Allele origin: not applicable. Functional consequence: retained intron. Not counted in ClinVar's aggregate classification.

Tuberous sclerosis database (TSC2)
No classification provided. Condition: TSC. Review status: no classification provided. Criteria: Tuberous Sclerosis Database Assertion Criteria 2015. Collection method: curation. Allele origin: germline. Affected: yes. Not counted in ClinVar's aggregate classification.

NM_000548.5(TSC2):c.3663G>A (p.Ser1221=)

Gene: TSC2 (TSC complex subunit 2; plus strand). Cytogenetic location: 16p13.3.
Variant type: single nucleotide variant.
Coding change: c.3663G>A on transcript NM_000548.5 (MANE Select); coding-DNA position 3663, G replaced by A.
Protein change: p.Ser1221=; no amino-acid change (serine 1221 retained).
Molecular consequence: synonymous variant.
Genome position (GRCh38, 1-based): chr16:2,081,647, G>A. VCF-style: chr16-2081647-G-A. GRCh37 (hg19) VCF-style: chr16-2131648-G-A.
Other names: c.3531G>A, p.Ser1177= (NM_001077183.3, NM_001370404.1); c.3663G>A, p.Ser1221= (NM_001114382.3); c.3423G>A, p.Ser1141= (NM_001318827.2); c.3387G>A, p.Ser1129= (NM_001318829.2); c.2931G>A, p.Ser977= (NM_001318831.2); c.3564G>A, p.Ser1188= (NM_001318832.2); c.3534G>A, p.Ser1178= (NM_001363528.2, NM_001370405.1, NM_021055.3).
Identifiers: ClinVar variation 49533 (VCV000049533.32), dbSNP rs137854268, ClinGen allele CA019457.